The following is an entry in ClinVar:

NM_001282860.2(GON4L):c.3543T>C (p.Thr1181=)

Gene: GON4L (gon-4 like; minus strand). Cytogenetic location: 1q22.
Variant type: single nucleotide variant.
Coding change: c.3543T>C on transcript NM_001282860.2 (MANE Select); coding-DNA position 3543, T replaced by C.
Protein change: p.Thr1181=; no amino-acid change (threonine 1181 retained).
Molecular consequence: synonymous variant.
Genome position (GRCh38, 1-based): chr1:155,765,930, A>G on the plus strand (T>C on the coding strand, the complement: GON4L is on the minus strand). VCF-style: chr1-155765930-A-G. GRCh37 (hg19) VCF-style: chr1-155735721-A-G.
Other names: c.3543T>C, p.Thr1181= (NM_001282856.2, NM_001282858.2, NM_001282861.2 and 1 more transcripts).
Identifiers: ClinVar variation 3037905 (VCV003037905.2), dbSNP rs677219, ClinGen allele CA1150590.
Genomic context (GRCh38, chr1:155,765,930, plus strand): 5'-GGAGGCCACAAGGGACTGGTTCAATGGACAGGGGAAGGAAGTAGGGTTAACCAAGAGGGT[A>G]GTGATGGGAATAGTCTGGGGACTCTGGGCCACAGCCGCATTGACAGGCTGGATCATGTTA-3'
Protein context (NP_001269789.1, residues 1171-1191): VAQSPQTIPI[Thr1181=]TLLVNPTSFP

ClinVar aggregate classification (germline): Likely benign (0 of 4 stars; one submission).

Conditions:
GON4L-related disorder. Also called: GON4L-related condition.

Allele frequency attached by ClinVar (database versions not stated): gnomAD exomes 0.00002; ExAC 0.00004; gnomAD 0.00005; 1000 Genomes Project 30x 0.00031.
gnomAD v4.1: 38 of 1,614,134 alleles (0.0024%); highest among the groups gnomAD compares: South Asian, 0.0033%; no homozygotes.

Submission:

PreventionGenetics, part of Exact Sciences
Classification: Likely benign for GON4L-related condition. Last evaluated: 2019-04-29. Review status: no assertion criteria provided. Collection method: clinical testing. Allele origin: germline.
Comment: This variant is classified as likely benign based on ACMG/AMP sequence variant interpretation guidelines (Richards et al. 2015 PMID: 25741868, with internal and published modifications).